The following is an entry in ClinVar:

ClinVar aggregate classification (germline): Likely benign. Review status: criteria provided, multiple submitters, no conflicts (2 of 4 stars). 4 submissions from 4 submitters: Likely benign (4). Last evaluated 2025-12-29.

Allele frequency attached by ClinVar (database versions not stated): 1000 Genomes Project 30x 0.00016; 1000 Genomes Project 0.00020; gnomAD exomes 0.00028; ESP Exome Variant Server 0.00031; gnomAD 0.00035 and 0.00037; TOPMed 0.00037; ExAC 0.00044.

Submissions (4):

Labcorp Genetics (formerly Invitae), Labcorp
Classification: Likely benign. Last evaluated: 2025-12-29. Review status: criteria provided, single submitter. Criteria: Invitae Variant Classification Sherloc (09022015). Collection method: clinical testing. Allele origin: germline.

Mayo Clinic Laboratories, Mayo Clinic
Classification: Likely benign. Last evaluated: 2025-07-02. Review status: criteria provided, single submitter. Criteria: ACMG Guidelines, 2015. Collection method: clinical testing. Allele origin: germline. Observed: 1 variant allele.
Comment: BS2, BP4, BP7

Blueprint Genetics
Classification: Likely benign. Last evaluated: 2024-11-01. Review status: criteria provided, single submitter. Criteria: ACMG Guidelines, 2015. Collection method: clinical testing. Allele origin: germline.

CeGaT Center for Human Genetics Tuebingen
Classification: Likely benign. Last evaluated: 2023-09-01. Review status: criteria provided, single submitter. Criteria: CeGaT Center For Human Genetics Tuebingen Variant Classification Criteria Version 2. Collection method: clinical testing. Allele origin: germline. Affected: yes. Observed: 1 variant allele.
Comment: GFAP: BP4, BP7

NM_002055.5(GFAP):c.42C>T (p.Tyr14=)

Gene: GFAP (glial fibrillary acidic protein; minus strand). Cytogenetic location: 17q21.31.
Variant type: single nucleotide variant.
Coding change: c.42C>T on transcript NM_002055.5 (MANE Select); coding-DNA position 42, C replaced by T.
Protein change: p.Tyr14=; no amino-acid change (tyrosine 14 retained).
Molecular consequence: synonymous variant.
Genome position (GRCh38, 1-based): chr17:44,915,445, G>A on the plus strand (C>T on the coding strand, the complement: GFAP is on the minus strand). VCF-style: chr17-44915445-G-A. GRCh37 (hg19) VCF-style: chr17-42992813-G-A.
Other names: p.Tyr14=; c.42C>T, p.Tyr14= (NM_001131019.3, NM_001242376.3, NM_001363846.2).
Identifiers: ClinVar variation 323629 (VCV000323629.36), dbSNP rs140252141, ClinGen allele CA8609125.